The following is an entry in ClinVar:

NM_001385641.1(SAMD11):c.1291C>G (p.Arg431Gly)

Gene: SAMD11 (sterile alpha motif domain containing 11; plus strand). Cytogenetic location: 1p36.33.
Variant type: single nucleotide variant.
Coding change: c.1291C>G on transcript NM_001385641.1 (MANE Select); coding-DNA position 1291, C replaced by G.
Protein change: p.Arg431Gly; replaces arginine 431 with glycine.
Molecular consequence: missense variant.
Genome position (GRCh38, 1-based): chr1:941,239, C>G. VCF-style: chr1-941239-C-G. GRCh37 (hg19) VCF-style: chr1-876619-C-G.
Other names: c.802C>G (NM_152486.2); c.1294C>G, p.Arg432Gly (NM_001385640.1); c.802C>G, p.Arg268Gly (NM_152486.4); short protein forms R268G, R431G, R432G.
Identifiers: ClinVar variation 1060766 (VCV001060766.8), dbSNP rs763142780, ClinGen allele CA502811.

ClinVar aggregate classification (germline): Uncertain significance. Review status: criteria provided, multiple submitters, no conflicts (2 of 4 stars). 2 submissions from 2 submitters: Uncertain significance (2). Last evaluated 2025-08-30.

Allele frequency attached by ClinVar (database versions not stated): gnomAD 0.00004.
gnomAD v4.1: 148 of 1,601,776 alleles (0.0092%); highest among the groups gnomAD compares: Non-Finnish European, 0.012%; no homozygotes.

Submissions (2):

Ambry Genetics
Classification: Uncertain significance. Last evaluated: 2025-08-30. Review status: criteria provided, single submitter. Criteria: Ambry Variant Classification Scheme 2023. Collection method: clinical testing. Allele origin: germline.

Labcorp Genetics (formerly Invitae), Labcorp
Classification: Uncertain significance. Last evaluated: 2022-03-20. Review status: criteria provided, single submitter. Criteria: Invitae Variant Classification Sherloc (09022015). Collection method: clinical testing. Allele origin: germline.
Comment: This sequence change replaces arginine, which is basic and polar, with glycine, which is neutral and non-polar, at codon 268 of the SAMD11 protein (p.Arg268Gly). This variant is present in population databases (rs763142780, gnomAD 0.01%). This variant has not been reported in the literature in individuals affected with SAMD11-related conditions. ClinVar contains an entry for this variant (Variation ID: 1060766). Algorithms developed to predict the effect of missense changes on protein structure and function are either unavailable or do not agree on the potential impact of this missense change (SIFT: "Tolerated"; PolyPhen-2: "Probably Damaging"; Align-GVGD: "Class C0"). Algorithms developed to predict the effect of sequence changes on RNA splicing suggest that this variant may disrupt the consensus splice site. In summary, the available evidence is currently insufficient to determine the role of this variant in disease. Therefore, it has been classified as a Variant of Uncertain Significance.